The following is an entry in ClinVar:

ClinVar aggregate classification (germline): Uncertain significance (1 of 4 stars; one submission).

Conditions:
Cardiomyopathy (CMYO). Also called: Cardiomyopathies. Identifiers: Orphanet 167848, MedGen C0878544, MONDO:0004994, HP:0001638. Inheritance: Various modes of inheritance.

Allele frequency attached by ClinVar (database versions not stated): TOPMed 0.00001.

Submission:

Color Diagnostics, LLC DBA Color Health
Classification: Uncertain significance for Cardiomyopathy. Last evaluated: 2023-12-05. Review status: criteria provided, single submitter. Criteria: ACMG Guidelines, 2015. Collection method: clinical testing. Allele origin: germline.
Comment: Variant of Uncertain Significance due to insufficient evidence: This missense variant replaces arginine with leucine at codon 2151 of the DSP protein. Computational prediction tools and conservation analyses suggest that this variant may have deleterious impact on the protein function. Computational splicing tools suggest that this variant may not impact RNA splicing. To our knowledge, functional assays have not been performed for this variant nor has this variant been reported in individuals affected with cardiovascular disorders in the literature. This variant has not been identified in the general population by the Genome Aggregation Database (gnomAD). Available evidence is insufficient to determine the role of this variant in disease conclusively.

NM_004415.4(DSP):c.6452G>T (p.Arg2151Leu)

Gene: DSP (desmoplakin; plus strand). Cytogenetic location: 6p24.3.
Variant type: single nucleotide variant.
Coding change: c.6452G>T on transcript NM_004415.4 (MANE Select); coding-DNA position 6452, G replaced by T.
Protein change: p.Arg2151Leu; replaces arginine 2151 with leucine.
Molecular consequence: missense variant.
Genome position (GRCh38, 1-based): chr6:7,583,714, G>T. VCF-style: chr6-7583714-G-T. GRCh37 (hg19) VCF-style: chr6-7583947-G-T.
Other names: c.4655G>T, p.Arg1552Leu (NM_001008844.3); c.5123G>T, p.Arg1708Leu (NM_001319034.2); short protein forms R1708L, R2151L, R1552L.
Identifiers: ClinVar variation 921276 (VCV000921276.5), dbSNP rs367759510, ClinGen allele CA362690824.